The following is an entry in ClinVar:

ClinVar aggregate classification (germline): Pathogenic (1 of 4 stars; one submission).

Submission:

Labcorp Genetics (formerly Invitae), Labcorp
Classification: Pathogenic. Last evaluated: 2022-08-19. Review status: criteria provided, single submitter. Criteria: Invitae Variant Classification Sherloc (09022015). Collection method: clinical testing. Allele origin: germline.
Comment: For these reasons, this variant has been classified as Pathogenic. This variant disrupts a region of the GTF2H5 protein in which other variant(s) (p.Arg56*) have been determined to be pathogenic (PMID: 15220921, 25620205). This suggests that this is a clinically significant region of the protein, and that variants that disrupt it are likely to be disease-causing. ClinVar contains an entry for this variant (Variation ID: 1382813). This variant has not been reported in the literature in individuals affected with GTF2H5-related conditions. This variant is not present in population databases (gnomAD no frequency). This sequence change creates a premature translational stop signal (p.Ala15Profs*2) in the GTF2H5 gene. While this is not anticipated to result in nonsense mediated decay, it is expected to disrupt the last 57 amino acid(s) of the GTF2H5 protein.

Literature cited by the submitters: PubMed 15220921; PubMed 25620205.

NM_207118.3(GTF2H5):c.43del (p.Ala15fs)

Gene: GTF2H5 (general transcription factor IIH subunit 5; plus strand). Cytogenetic location: 6q25.3.
Variant type: Deletion.
Coding change: c.43del on transcript NM_207118.3 (MANE Select); coding-DNA position 43, one base deleted (G; older notation c.43delG).
Protein change: p.Ala15fs; shifts the reading frame from alanine 15.
Molecular consequence: frameshift variant.
Genome position (GRCh38, 1-based): chr6:158,191,984, G deleted. VCF-style (leftmost placement, unchanged base first): chr6-158191983-TG-T. GRCh37 (hg19) VCF-style: chr6-158613015-TG-T.
Other names: short protein forms A15fs.
Identifiers: ClinVar variation 1382813 (VCV001382813.6), dbSNP rs2128432163, ClinGen allele CA2573140700.